The following is an entry in ClinVar:

NM_006734.4(HIVEP2):c.4214C>G (p.Pro1405Arg)

Gene: HIVEP2 (HIVEP zinc finger 2; minus strand). Cytogenetic location: 6q24.2.
Variant type: single nucleotide variant.
Coding change: c.4214C>G on transcript NM_006734.4 (MANE Select); coding-DNA position 4214, C replaced by G.
Protein change: p.Pro1405Arg; replaces proline 1405 with arginine.
Molecular consequence: missense variant.
Genome position (GRCh38, 1-based): chr6:142,770,525, G>C on the plus strand (C>G on the coding strand, the complement: HIVEP2 is on the minus strand). VCF-style: chr6-142770525-G-C. GRCh37 (hg19) VCF-style: chr6-143091662-G-C.
Other names: short protein forms P1405R.
Identifiers: ClinVar variation 1031083 (VCV001031083.1), dbSNP rs1775501318, ClinGen allele CA365900598.
Genomic context (GRCh38, chr6:142,770,525, plus strand): 5'-AAACACAAGGGGATGGAGGATTCTAAGCCGAGGGGCAAAGTCTGAGGTGCTTTCCAAATG[G>C]GGTACTTCTCCAAGCCCGCATGCTGCCCCAGCACCTGGGCAATGTTGAATCCTATCCCTT-3'
Protein context (NP_006725.3, residues 1395-1415): LGQHAGLEKY[Pro1405Arg]IWKAPQTLPL

ClinVar aggregate classification (germline): Uncertain significance (1 of 4 stars; one submission).

Conditions:
Intellectual developmental disorder, autosomal dominant 43. Also called: Intellectual disability, autosomal dominant 43. Identifiers: MedGen C4707429, MONDO:0014858, OMIM 616977.

Submission:

Baylor Genetics
Classification: Uncertain significance for Intellectual developmental disorder, autosomal dominant 43. Last evaluated: 2020-09-20. Review status: criteria provided, single submitter. Criteria: ACMG Guidelines, 2015. Collection method: clinical testing. Allele origin: unknown. Affected: yes.
Comment: This variant was determined to be of uncertain significance according to ACMG Guidelines, 2015 [PMID:25741868].